The following is an entry in ClinVar:

ClinVar aggregate classification (germline): Uncertain significance. Review status: criteria provided, multiple submitters, no conflicts (2 of 4 stars). 3 submissions from 3 submitters: Uncertain significance (3). Last evaluated 2026-09-09.

Conditions:
Bardet-Biedl syndrome 4 (BBS4). Identifiers: Orphanet 110, MedGen C2936864, MONDO:0014433, OMIM 615982.
BBS4-related disorder. Also called: BBS4-related condition.

gnomAD v4.1: 19 of 1,614,052 alleles (0.0012%); highest among the groups gnomAD compares: Non-Finnish European, 0.0016%; no homozygotes.

Submissions (3):

PreventionGenetics, part of Exact Sciences
Classification: Uncertain significance for BBS4-related condition. Last evaluated: 2026-09-09. Review status: criteria provided, single submitter. Criteria: ACMG Guidelines, 2015. Collection method: clinical testing. Allele origin: germline.
Comment: The BBS4 c.1403T>C variant is predicted to result in the amino acid substitution p.Leu468Pro. To our knowledge, this variant has not been reported in the literature. This variant is reported in 0.0026% of alleles in individuals of European (Non-Finnish) descent in gnomAD. At this time, the clinical significance of this variant is uncertain due to the absence of conclusive functional and genetic evidence.

CeGaT Center for Human Genetics Tuebingen
Classification: Uncertain significance. Last evaluated: 2024-10-01. Review status: criteria provided, single submitter. Criteria: CeGaT Center For Human Genetics Tuebingen Variant Classification Criteria Version 2. Collection method: clinical testing. Allele origin: germline. Affected: yes. Observed: 1 variant allele.
Comment: BBS4: PM2, PM3:Supporting, PP3

Fulgent Genetics
Classification: Uncertain significance for Bardet-Biedl syndrome 4. Last evaluated: 2024-04-15. Review status: criteria provided, single submitter. Criteria: ACMG Guidelines, 2015. Collection method: clinical testing. Allele origin: germline.

NM_033028.5(BBS4):c.1403T>C (p.Leu468Pro)

Gene: BBS4 (Bardet-Biedl syndrome 4; plus strand). Cytogenetic location: 15q24.1.
Variant type: single nucleotide variant.
Coding change: c.1403T>C on transcript NM_033028.5 (MANE Select); coding-DNA position 1403, T replaced by C.
Protein change: p.Leu468Pro; replaces leucine 468 with proline.
Molecular consequence: missense variant. On other transcripts: non-coding transcript variant (2).
Genome position (GRCh38, 1-based): chr15:72,736,916, T>C. VCF-style: chr15-72736916-T-C. GRCh37 (hg19) VCF-style: chr15-73029257-T-C.
Other names: c.1403T>C (NM_033028.4); c.887T>C, p.Leu296Pro (NM_001252678.2); c.1334T>C, p.Leu445Pro (NM_001320665.2); short protein forms L296P, L445P, L468P.
Identifiers: ClinVar variation 3389315 (VCV003389315.16).
Genomic context (GRCh38, chr15:72,736,916, plus strand): 5'-AGACCACTTCAACCAGCAAACCTGCCAGTTTCCAGCAGCCTCTGGGCTCTAATCAAGCTC[T>C]AGGACAGGCAATGTCTTCAGCAGCTGCATACAGGACGCTCCCCTCAGGTAGGACCATACA-3'
Protein context (NP_149017.2, residues 458-478): FQQPLGSNQA[Leu468Pro]GQAMSSAAAY